The following is an entry in ClinVar:

ClinVar aggregate classification (germline): Conflicting classifications of pathogenicity. Review status: criteria provided, conflicting classifications (1 of 4 stars). 7 submissions from 6 submitters: Uncertain significance (3); Likely benign (4). Last evaluated 2025-12-29.

Conditions:
RYR1-related disorder. Also called: RYR1-related condition; RYR1-related disorders. Identifiers: MedGen CN239331.
Malignant hyperthermia, susceptibility to, 1 (MHS1). Also called: RYR1-Related Malignant Hyperthermia Susceptibility; Anesthesia related hyperthermia; Malignant hyperpyrexia; Fulminating hyperpyrexia; Pharmacogenic myopathy; Malignant hyperthermia suceptibility 1. Identifiers: Orphanet 423, MedGen C2930980, MONDO:0007783, OMIM 145600.
Congenital multicore myopathy with external ophthalmoplegia (CMYO1B). Also called: MULTICORE MYOPATHY; MULTIMINICORE DISEASE WITH EXTERNAL OPHTHALMOPLEGIA; Congenital myopathy 1B, autosomal recessive; Minicore myopathy; Minicore myopathy with external ophthalmoplegia. Identifiers: Orphanet 598, Orphanet 98905, MedGen C1850674, MONDO:0009712, OMIM 255320, HP:0003789.

Allele frequency attached by ClinVar (database versions not stated): TOPMed 0.00005.
gnomAD v4.1: 50 of 1,568,394 alleles (0.0032%); highest among the groups gnomAD compares: Non-Finnish European, 0.0041%; no homozygotes.

Submissions (7):

Labcorp Genetics (formerly Invitae), Labcorp
Classification: Likely benign for RYR1-related disorder. Last evaluated: 2025-12-29. Review status: criteria provided, single submitter. Criteria: Invitae Variant Classification Sherloc (09022015). Collection method: clinical testing. Allele origin: germline.

All of Us Research Program, National Institutes of Health
Classification: Likely benign for Malignant hyperthermia, susceptibility to, 1. Last evaluated: 2024-04-25. Review status: criteria provided, single submitter. Criteria: ACMG Guidelines, 2015. Collection method: clinical testing. Allele origin: germline. Inheritance: Autosomal dominant inheritance. Observed: 9 variant alleles, 9 heterozygotes.
Comment: This study involves interpretation of variants in research participants for the purpose of population health screening. Participant phenotype was not available at the time of variant classification. Additional details can be found in publication PMID: 35346344, PMCID: PMC8962531

Color Diagnostics, LLC DBA Color Health
Classification: Likely benign for Malignant hyperthermia, susceptibility to, 1. Last evaluated: 2023-11-22. Review status: criteria provided, single submitter. Criteria: ACMG Guidelines, 2015. Collection method: clinical testing. Allele origin: germline.

Illumina Laboratory Services, Illumina
Classification: Uncertain significance for Malignant hyperthermia, susceptibility to, 1. Last evaluated: 2018-01-12. Review status: criteria provided, single submitter. Criteria: ICSL Variant Classification Criteria 13 December 2019. Collection method: clinical testing. Allele origin: germline.

Illumina Laboratory Services, Illumina
Classification: Uncertain significance for Congenital multicore myopathy with external ophthalmoplegia. Last evaluated: 2018-01-12. Review status: criteria provided, single submitter. Criteria: ICSL Variant Classification Criteria 13 December 2019. Collection method: clinical testing. Allele origin: germline.

Eurofins Ntd Llc (ga)
Classification: Uncertain significance. Last evaluated: 2014-01-16. Review status: criteria provided, single submitter. Criteria: EGL Classification Definitions 2015. Collection method: clinical testing. Allele origin: germline. Observed: 2 variant alleles, 2 heterozygotes.

PreventionGenetics, part of Exact Sciences
Classification: Likely benign. Review status: criteria provided, single submitter. Criteria: ACMG Guidelines, 2015. Collection method: clinical testing. Allele origin: germline.

NM_000540.3(RYR1):c.4878C>T (p.Ala1626=)

Gene: RYR1 (ryanodine receptor 1; plus strand). Cytogenetic location: 19q13.2.
Variant type: single nucleotide variant.
Coding change: c.4878C>T on transcript NM_000540.3 (MANE Select); coding-DNA position 4878, C replaced by T.
Protein change: p.Ala1626=; no amino-acid change (alanine 1626 retained).
Molecular consequence: synonymous variant.
Genome position (GRCh38, 1-based): chr19:38,483,460, C>T. VCF-style: chr19-38483460-C-T. GRCh37 (hg19) VCF-style: chr19-38974100-C-T.
Other names: c.4878C>T, p.Ala1626= (NM_001042723.2).
Identifiers: ClinVar variation 167617 (VCV000167617.25), dbSNP rs369466056, ClinGen allele CA024464.
Genomic context (GRCh38, chr19:38,483,460, plus strand): 5'-CATGCCCAACCACTTCCTGCAGGTGGAGACGAGGCGTGCCGGCGAGCGGCTGGGCTGGGC[C>T]GTGCAGTGCCAGGAGCCGCTGACCATGATGGCGCTGCACATCCCCGAGGAGAACCGGTCA-3'
Protein context (NP_000531.2, residues 1616-1636): TRRAGERLGW[Ala1626=]VQCQEPLTMM